The following is an entry in ClinVar:

NM_005006.7(NDUFS1):c.873-2A>G

Gene: NDUFS1 (NADH:ubiquinone oxidoreductase core subunit S1; minus strand). Cytogenetic location: 2q33.3.
Variant type: single nucleotide variant.
Coding change: c.873-2A>G on transcript NM_005006.7 (MANE Select); the canonical splice acceptor site of the intron before coding-DNA position 873, A replaced by G.
Molecular consequence: splice acceptor variant.
Genome position (GRCh38, 1-based): chr2:206,144,134, T>C on the plus strand (A>G on the coding strand, the complement: NDUFS1 is on the minus strand). VCF-style: chr2-206144134-T-C. GRCh37 (hg19) VCF-style: chr2-207008858-T-C.
Other names: c.540-2A>G (NM_001199982.2); c.702-2A>G (NM_001199983.2); c.765-2A>G (NM_001199981.2); c.915-2A>G (NM_001199984.2).
Identifiers: ClinVar variation 5006196 (VCV005006196.2).

ClinVar aggregate classification (germline): Likely pathogenic (1 of 4 stars; one submission).

Conditions:
Mitochondrial complex I deficiency, nuclear type 5. Also called: Mitochondrial complex 1 deficiency, nuclear type 5. Identifiers: MedGen C4748754, MONDO:0032610, OMIM 618226.

Submission:

Juno Genomics, Hangzhou Juno Genomics, Inc
Classification: Likely pathogenic for Mitochondrial complex I deficiency, nuclear type 5. Review status: criteria provided, single submitter. Criteria: ACMG Guidelines, 2015. Collection method: clinical testing. Allele origin: germline.
Comment: Null variant in a gene where loss of function (LOF) is a known mechanism of disease.;Absent from controls (or at extremely low frequency if recessive) in Genome Aggregation Database.